The following is an entry in ClinVar:

NM_001098816.3(TENM4):c.3818A>G (p.His1273Arg)

Gene: TENM4 (teneurin transmembrane protein 4; minus strand). Cytogenetic location: 11q14.1.
Variant type: single nucleotide variant.
Coding change: c.3818A>G on transcript NM_001098816.3 (MANE Select); coding-DNA position 3818, A replaced by G.
Protein change: p.His1273Arg; replaces histidine 1273 with arginine.
Molecular consequence: missense variant.
Genome position (GRCh38, 1-based): chr11:78,720,373, T>C on the plus strand (A>G on the coding strand, the complement: TENM4 is on the minus strand). VCF-style: chr11-78720373-T-C. GRCh37 (hg19) VCF-style: chr11-78431418-T-C.
Other names: p.His1273Arg; short protein forms H1273R.
Identifiers: ClinVar variation 2345538 (VCV002345538.25), dbSNP rs202046911, ClinGen allele CA6206953.

ClinVar aggregate classification (germline): Conflicting classifications of pathogenicity. Review status: criteria provided, conflicting classifications (1 of 4 stars). 3 submissions from 3 submitters: Uncertain significance (2); Likely benign (1). Last evaluated 2024-06-19.

Allele frequency attached by ClinVar (database versions not stated): 1000 Genomes Project 30x 0.00016; 1000 Genomes Project 0.00020; ExAC 0.00021; ESP Exome Variant Server 0.00025; gnomAD 0.00026; TOPMed 0.00029; gnomAD exomes 0.00062.
gnomAD v4.1: 922 of 1,613,940 alleles (0.057%); highest among the groups gnomAD compares: Non-Finnish European, 0.075%; 1 homozygote.

Submissions (3):

Mayo Clinic Laboratories, Mayo Clinic
Classification: Uncertain significance. Last evaluated: 2024-06-19. Review status: criteria provided, single submitter. Criteria: ACMG Guidelines, 2015. Collection method: clinical testing. Allele origin: germline. Observed: 1 variant allele.
Comment: BS2

CeGaT Center for Human Genetics Tuebingen
Classification: Likely benign. Last evaluated: 2023-12-01. Review status: criteria provided, single submitter. Criteria: CeGaT Center For Human Genetics Tuebingen Variant Classification Criteria Version 2. Collection method: clinical testing. Allele origin: germline. Affected: yes. Observed: 1 variant allele.
Comment: TENM4: BS1

Ambry Genetics
Classification: Uncertain significance. Last evaluated: 2021-09-01. Review status: criteria provided, single submitter. Criteria: Ambry Variant Classification Scheme 2023. Collection method: clinical testing. Allele origin: germline.